The following is an entry in ClinVar:

NM_001289808.2(CRYAB):c.509C>T (p.Thr170Ile)

Gene: CRYAB (crystallin alpha B; minus strand). Cytogenetic location: 11q23.1.
Variant type: single nucleotide variant.
Coding change: c.509C>T on transcript NM_001289808.2 (MANE Select); coding-DNA position 509, C replaced by T.
Protein change: p.Thr170Ile; replaces threonine 170 with isoleucine.
Molecular consequence: missense variant.
Genome position (GRCh38, 1-based): chr11:111,908,783, G>A on the plus strand (C>T on the coding strand, the complement: CRYAB is on the minus strand). VCF-style: chr11-111908783-G-A. GRCh37 (hg19) VCF-style: chr11-111779507-G-A.
Other names: c.509C>T, p.Thr170Ile (NM_001289807.1, NM_001368245.1, NM_001885.3); c.308C>T, p.Thr103Ile (NM_001330379.1, NM_001368246.1); short protein forms T170I, T103I.
Identifiers: ClinVar variation 1745317 (VCV001745317.2), dbSNP rs2497874655, ClinGen allele CA382595396.

ClinVar aggregate classification (germline): Uncertain significance (1 of 4 stars; one submission).

Conditions:
Cardiovascular phenotype. Identifiers: MedGen CN230736.

Submission:

Ambry Genetics
Classification: Uncertain significance for Cardiovascular phenotype. Last evaluated: 2020-06-16. Review status: criteria provided, single submitter. Criteria: Ambry Variant Classification Scheme 2023. Collection method: clinical testing. Allele origin: germline.
Comment: The p.T170I variant (also known as c.509C>T), located in coding exon 3 of the CRYAB gene, results from a C to T substitution at nucleotide position 509. The threonine at codon 170 is replaced by isoleucine, an amino acid with similar properties. This amino acid position is not well conserved in available vertebrate species. In addition, the in silico prediction for this alteration is inconclusive. Since supporting evidence is limited at this time, the clinical significance of this alteration remains unclear.